The following is an entry in ClinVar:

NM_001197104.2(KMT2A):c.502+1G>A

Gene: KMT2A (lysine methyltransferase 2A; plus strand). Cytogenetic location: 11q23.3.
Variant type: single nucleotide variant.
Coding change: c.502+1G>A on transcript NM_001197104.2 (MANE Select); the canonical splice donor site of the intron after coding-DNA position 502, G replaced by A.
Molecular consequence: splice donor variant.
Genome position (GRCh38, 1-based): chr11:118,468,845, G>A. VCF-style: chr11-118468845-G-A. GRCh37 (hg19) VCF-style: chr11-118339560-G-A.
Other names: c.502+1G>A (LRG_613t1, NM_005933.4); c.601+1G>A (NM_001412597.1).
Identifiers: ClinVar variation 802796 (VCV000802796.2), dbSNP rs1591371152, ClinGen allele CA382803778.

ClinVar aggregate classification (germline): Pathogenic. Review status: criteria provided, multiple submitters, no conflicts (2 of 4 stars). 2 submissions from 2 submitters: Pathogenic (2). Last evaluated 2019-05-28.

Conditions:
Wiedemann-Steiner syndrome (WDSTS). Also called: Growth deficiency and mental retardation with facial dysmorphism. Identifiers: Orphanet 319182, MedGen C1854630, MONDO:0011518, OMIM 605130.
Intellectual disability. Also called: Intellectual functioning disability; Intellectual developmental disorder; intellectual disabilities. Identifiers: MedGen C3714756, MeSH D008607, MONDO:0001071, HP:0001249.

Submissions (2):

Mendelics
Classification: Pathogenic for Wiedemann-Steiner syndrome. Last evaluated: 2019-05-28. Review status: criteria provided, single submitter. Criteria: Mendelics Assertion Criteria 2017. Collection method: clinical testing. Allele origin: unknown.

Equipe Genetique des Anomalies du Developpement, Université de Bourgogne
Classification: Pathogenic for Intellectual disability. Review status: criteria provided, single submitter. Criteria: ACMG Guidelines, 2015. Collection method: clinical testing. Allele origin: de novo. Affected: yes.